The following is an entry in ClinVar:

NM_000271.5(NPC1):c.1975G>A (p.Ala659Thr)

Gene: NPC1 (NPC intracellular cholesterol transporter 1; minus strand). Cytogenetic location: 18q11.2.
Variant type: single nucleotide variant.
Coding change: c.1975G>A on transcript NM_000271.5 (MANE Select); coding-DNA position 1975, G replaced by A.
Protein change: p.Ala659Thr; replaces alanine 659 with threonine.
Molecular consequence: missense variant.
Genome position (GRCh38, 1-based): chr18:23,544,499, C>T on the plus strand (G>A on the coding strand, the complement: NPC1 is on the minus strand). VCF-style: chr18-23544499-C-T. GRCh37 (hg19) VCF-style: chr18-21124463-C-T.
Other names: short protein forms A659T.
Identifiers: ClinVar variation 2169289 (VCV002169289.1), dbSNP rs772849085, ClinGen allele CA8913248.

ClinVar aggregate classification (germline): Uncertain significance (1 of 4 stars; one submission).

Conditions:
Niemann-Pick disease, type C1. Also called: NEUROVISCERAL STORAGE DISEASE WITH VERTICAL SUPRANUCLEAR OPHTHALMOPLEGIA; NIEMANN-PICK DISEASE WITH CHOLESTEROL ESTERIFICATION BLOCK; NIEMANN-PICK DISEASE WITHOUT SPHINGOMYELINASE DEFICIENCY; NIEMANN-PICK DISEASE, CHRONIC NEURONOPATHIC FORM; NIEMANN-PICK DISEASE, VARIANT TYPE C1. Identifiers: Orphanet 646, MedGen C3179455, MONDO:0009757, OMIM 257220.

Allele frequency attached by ClinVar (database versions not stated): ExAC 0.00001; gnomAD exomes 0.00001; gnomAD 0.00002; TOPMed 0.00003.
gnomAD v4.1: 21 of 1,614,046 alleles (0.0013%); highest among the groups gnomAD compares: African/African-American, 0.0053%; no homozygotes.

Submission:

Labcorp Genetics (formerly Invitae), Labcorp
Classification: Uncertain significance for Niemann-Pick disease, type C1. Last evaluated: 2022-03-12. Review status: criteria provided, single submitter. Criteria: Invitae Variant Classification Sherloc (09022015). Collection method: clinical testing. Allele origin: germline.
Comment: This sequence change replaces alanine, which is neutral and non-polar, with threonine, which is neutral and polar, at codon 659 of the NPC1 protein (p.Ala659Thr). This variant is present in population databases (rs772849085, gnomAD 0.007%). This variant has not been reported in the literature in individuals affected with NPC1-related conditions. Advanced modeling of protein sequence and biophysical properties (such as structural, functional, and spatial information, amino acid conservation, physicochemical variation, residue mobility, and thermodynamic stability) performed at Invitae indicates that this missense variant is not expected to disrupt NPC1 protein function. In summary, the available evidence is currently insufficient to determine the role of this variant in disease. Therefore, it has been classified as a Variant of Uncertain Significance.